The following is an entry in ClinVar:

ClinVar aggregate classification (germline): Uncertain significance. Review status: criteria provided, multiple submitters, no conflicts (2 of 4 stars). 2 submissions from 2 submitters: Uncertain significance (2). Last evaluated 2025-10-24.

Allele frequency attached by ClinVar (database versions not stated): TOPMed below 0.00001.

Submissions (2):

Labcorp Genetics (formerly Invitae), Labcorp
Classification: Uncertain significance. Last evaluated: 2025-10-24. Review status: criteria provided, single submitter. Criteria: Invitae Variant Classification Sherloc (09022015). Collection method: clinical testing. Allele origin: germline.
Comment: This sequence change replaces leucine, which is neutral and non-polar, with proline, which is neutral and non-polar, at codon 114 of the KCNJ13 protein (p.Leu114Pro). This variant is not present in population databases (gnomAD no frequency). This variant has not been reported in the literature in individuals affected with KCNJ13-related conditions. ClinVar contains an entry for this variant (Variation ID: 866139). Invitae Evidence Modeling of protein sequence and biophysical properties (such as structural, functional, and spatial information, amino acid conservation, physicochemical variation, residue mobility, and thermodynamic stability) indicates that this missense variant is expected to disrupt KCNJ13 protein function with a positive predictive value of 80%. In summary, the available evidence is currently insufficient to determine the role of this variant in disease. Therefore, it has been classified as a Variant of Uncertain Significance.

Blueprint Genetics
Classification: Uncertain significance. Last evaluated: 2021-09-09. Review status: criteria provided, single submitter. Criteria: ACMG Guidelines, 2015. Collection method: clinical testing. Allele origin: germline.

NM_002242.4(KCNJ13):c.341T>C (p.Leu114Pro)

Genes: GIGYF2 (GRB10 interacting GYF protein 2; plus strand), KCNJ13 (potassium inwardly rectifying channel subfamily J member 13; minus strand). Cytogenetic location: 2q37.1.
Variant type: single nucleotide variant.
Coding change: c.341T>C on transcript NM_002242.4 (MANE Select); coding-DNA position 341, T replaced by C.
Protein change: p.Leu114Pro; replaces leucine 114 with proline.
Molecular consequence: missense variant. On other transcripts: intron variant (5).
Genome position (GRCh38, 1-based): chr2:232,771,022, A>G on the plus strand (T>C on the coding strand, the complement: KCNJ13 is on the minus strand). VCF-style: chr2-232771022-A-G. GRCh37 (hg19) VCF-style: chr2-233635732-A-G.
Other names: c.101T>C, p.Leu34Pro (NM_001172417.1); c.532+9586A>G (NM_001103146.3, NM_015575.4, NM_001103148.2); c.533-5390A>G (NM_001103147.2); c.224+117T>C (NM_001172416.1); short protein forms L114P, L34P.
Identifiers: ClinVar variation 866139 (VCV000866139.9), dbSNP rs1401218860, ClinGen allele CA351013614.